The following is an entry in ClinVar:

ClinVar aggregate classification (germline): Benign/Likely benign. Review status: criteria provided, multiple submitters, no conflicts (2 of 4 stars). 10 submissions from 10 submitters: Benign (6); Likely benign (1). 3 of the submissions do not count toward it. Last evaluated 2026-02-04.

Conditions:
Autosomal dominant Parkinson disease 8. Also called: Parkinson disease 8, susceptibility to; LRRK2-Related Parkinson Disease; Parkinson disease 8. Identifiers: Orphanet 411602, MedGen C1846862, MONDO:0011764, OMIM 607060.

Allele frequency attached by ClinVar (database versions not stated): 1000 Genomes Project 0.01318; 1000 Genomes Project 30x 0.01374; TOPMed 0.01877; ESP Exome Variant Server 0.02338; gnomAD 0.02988 and 0.03091; gnomAD exomes 0.03183 and 0.03177; ExAC 0.03011.
gnomAD v4.1: 50,823 of 1,612,210 alleles (3.2%); highest among the groups gnomAD compares: Non-Finnish European, 3.2%; 1,210 homozygotes.

Submissions (10):

Labcorp Genetics (formerly Invitae), Labcorp
Classification: Benign for Autosomal dominant Parkinson disease 8. Last evaluated: 2026-02-04. Review status: criteria provided, single submitter. Criteria: Invitae Variant Classification Sherloc (09022015). Collection method: clinical testing. Allele origin: germline.

Mayo Clinic Laboratories, Mayo Clinic
Classification: Benign. Last evaluated: 2023-02-10. Review status: criteria provided, single submitter. Criteria: ACMG Guidelines, 2015. Collection method: clinical testing. Allele origin: germline. Observed: 35 variant alleles.
Comment: BA1

Fulgent Genetics
Classification: Likely benign for Autosomal dominant Parkinson disease 8. Last evaluated: 2021-09-30. Review status: criteria provided, single submitter. Criteria: ACMG Guidelines, 2015. Collection method: clinical testing. Allele origin: unknown.

GeneDx
Classification: Benign. Last evaluated: 2018-09-04. Review status: criteria provided, single submitter. Criteria: GeneDx Variant Classification Process June 2021. Collection method: clinical testing. Allele origin: germline. Affected: yes.
Comment: This variant is associated with the following publications: (PMID: 32677286, 26503572)

Illumina Laboratory Services, Illumina
Classification: Benign for Autosomal dominant Parkinson disease 8. Last evaluated: 2018-03-06. Review status: criteria provided, single submitter. Criteria: ICSL Variant Classification Criteria 13 December 2019. Collection method: clinical testing. Allele origin: germline.
Comment: This variant was observed in the ICSL laboratory as part of a predisposition screen in an ostensibly healthy population. It had not been previously curated by ICSL or reported in the Human Gene Mutation Database (HGMD: prior to June 1st, 2018), and was therefore a candidate for classification through an automated scoring system. Utilizing variant allele frequency, disease prevalence and penetrance estimates, and inheritance mode, an automated score was calculated to assess if this variant is too frequent to cause the disease. Based on the score and internal cut-off values, a variant classified as benign is not then subjected to further curation. The score for this variant resulted in a classification of benign for this disease.

Athena Diagnostics
Classification: Benign. Last evaluated: 2017-10-17. Review status: criteria provided, single submitter. Criteria: Athena Diagnostics Criteria. Collection method: clinical testing. Allele origin: germline.

Breakthrough Genomics
Classification: Benign. Review status: criteria provided, single submitter. Criteria: ACMG Guidelines, 2015. Collection method: not provided. Allele origin: germline. Inheritance: Autosomal dominant inheritance. Affected: yes.

Clinical Genetics DNA and cytogenetics Diagnostics Lab, Erasmus MC, Erasmus Medical Center
Classification: Benign. Review status: no assertion criteria provided. Collection method: clinical testing. Allele origin: germline. Affected: yes. Study: VKGL Data-share Consensus. Not counted in ClinVar's aggregate classification.

GeneReviews
No classification provided. Condition: Autosomal dominant Parkinson disease 8. Review status: no classification provided. Collection method: literature only. Allele origin: unknown. Not counted in ClinVar's aggregate classification.

Genome Diagnostics Laboratory, Amsterdam University Medical Center
Classification: Benign. Review status: no assertion criteria provided. Collection method: clinical testing. Allele origin: germline. Affected: yes. Study: VKGL Data-share Consensus. Not counted in ClinVar's aggregate classification.

Literature cited by the submitters: PubMed 32677286 (cited by Mayo Clinic Laboratories, Mayo Clinic); PubMed 20301387 (cited by GeneReviews); NCBI Bookshelf NBK1208 (cited by GeneReviews).

NM_198578.4(LRRK2):c.4624C>T (p.Pro1542Ser)

Gene: LRRK2 (leucine rich repeat kinase 2; plus strand). Cytogenetic location: 12q12.
Variant type: single nucleotide variant.
Coding change: c.4624C>T on transcript NM_198578.4 (MANE Select); coding-DNA position 4624, C replaced by T.
Protein change: p.Pro1542Ser; replaces proline 1542 with serine.
Molecular consequence: missense variant.
Genome position (GRCh38, 1-based): chr12:40,314,059, C>T. VCF-style: chr12-40314059-C-T. GRCh37 (hg19) VCF-style: chr12-40707861-C-T.
Other names: short protein forms P1542S.
Identifiers: ClinVar variation 39193 (VCV000039193.24), dbSNP rs33958906, ClinGen allele CA343596.
Genomic context (GRCh38, chr12:40,314,059, plus strand): 5'-CTGATTCCAGACTGCTATGTAGAACTTGAAAAAATCATTTTATCGGAGCGTAAAAATGTG[C>T]CAATTGAATTTCCCGTAATTGACCGGAAACGATTATTACAACTAGTGAGAGAAAATCAGC-3'
Protein context (NP_940980.4, residues 1532-1552): KIILSERKNV[Pro1542Ser]IEFPVIDRKR